The following is an entry in ClinVar:

NM_000517.6(HBA2):c.*93_*94del

Genes: HBA2 (hemoglobin subunit alpha 2; plus strand), LOC106804612 (hemoglobin subunit alpha 2 recombination region; plus strand). Cytogenetic location: 16p13.3.
Variant type: Deletion.
Coding change: c.*93_*94del on transcript NM_000517.6 (MANE Select); 93 bases downstream of the stop codon through 94 bases downstream of the stop codon, 2 bases deleted (AA; older notation c.*93_*94delAA).
Molecular consequence: 3 prime UTR variant.
Genome position (GRCh38, 1-based): chr16:173,693-173,694, AA deleted; deleting any 2 consecutive bases within chr16:173,692-173,694 gives the same sequence; the c. name uses the placement nearest the transcript's 3' end. VCF-style (leftmost placement, unchanged base first): chr16-173691-TAA-T. GRCh37 (hg19) VCF-style: chr16-223690-TAA-T.
Other names: c.*93_*94del (NM_000517.4); c.*93_*94delAA (NM_000517.6, NM_000517.5).
Identifiers: ClinVar variation 439772 (VCV000439772.26), dbSNP rs63751268, ClinGen allele CA276415710.

ClinVar aggregate classification (germline): Pathogenic/Likely pathogenic. Review status: criteria provided, multiple submitters, no conflicts (2 of 4 stars). 9 submissions from 9 submitters: Pathogenic (6); Likely pathogenic (2). 1 of the submissions does not count toward it. Last evaluated 2026-04-13.

Conditions:
HBA2-related disorder. Also called: HBA2-related condition.
Erythrocytosis, familial, 7. Also called: ERYTHROCYTOSIS, ALPHA-GLOBIN TYPE; POLYCYTHEMIA, ALPHA-GLOBIN TYPE; ERYTHROCYTOSIS 7. Identifiers: MedGen C4693823, MONDO:0054802, OMIM 617981.
Heinz body anemia. Also called: Heinz body hemolytic anemia. Identifiers: Orphanet 178330, MedGen C0700299, MONDO:0007705, OMIM 140700, HP:0005511.
Hemoglobin H disease (HBH). Also called: ALPHA-THALASSEMIA, HEMOGLOBIN H TYPE; HEMOGLOBIN H DISEASE, DELETIONAL; Hemoglobin H (HbH) Disease. Identifiers: Orphanet 93616, MedGen C3161174, MONDO:0013512, OMIM 613978. Disease mechanism: loss of function.
alpha Thalassemia. Also called: Alpha thalassemia spectrum. Identifiers: Orphanet 846, MedGen C0002312, MONDO:0011399, OMIM 604131.

Submissions (9):

PreventionGenetics, part of Exact Sciences
Classification: Pathogenic for HBA2-related condition. Last evaluated: 2026-04-13. Review status: criteria provided, single submitter. Criteria: ACMG Guidelines, 2015. Collection method: clinical testing. Allele origin: germline.
Comment: The HBA2 c.*93_*94delAA variant is located in the 3' untranslated region. This variant resides within the polyadenylation signal sequence within the HBA2 gene and has previously been reported to be pathogenic (Harteveld et al. 1994. PubMed ID: 7947237; Nair et al. 2013. PubMed ID: 23517369; Farashi et al. 2015. PubMed ID: 26193977; Prior et al. 2007. PubMed ID: 17486499; Haider et al. 2005. PubMed ID: 16103716). This variant has not been reported in a large population database (gnomAD), indicating this variant is rare. This variant is interpreted as pathogenic.

GeneDx
Classification: Likely pathogenic. Last evaluated: 2026-02-24. Review status: criteria provided, single submitter. Criteria: GeneDx Variant Classification Process June 2021. Collection method: clinical testing. Allele origin: germline.
Comment: No data available from control populations to assess the frequency of this variant; Located in a regulatory region; in the absence of functional studies, the actual effect of this sequence change is unknown; This variant is associated with the following publications: (PMID: 26193977, 23517369, 7947237, 26365411, 17054428, 7803252, 11791871, 17486499, 15481893, 16103716, 6253786)

Natera, Inc.
Classification: Pathogenic for Alpha thalassemia. Last evaluated: 2025-08-22. Review status: criteria provided, single submitter. Criteria: Natera Variant Classification Schema (03/2026). Collection method: clinical testing. Allele origin: germline.
Comment: The c.*93_*94delAA variant in HBA2 is a 3' untranslated region (UTR) variant located downstream of the translation stop codon. This variant is rare in the general population with a frequency below the threshold expected for the associated phenotype(s). This variant has been observed in one or more individuals affected with the associated recessive disease, as either homozygous or compound heterozygous with a second variant (PMID: 26193977, 23517369, 26365411). Additionally, this variant has been observed to segregate in affected family members (PMID: 17486499). Computational prediction algorithms indicate this variant is likely to affect gene or protein function. Given the available evidence, this variant is classified as Pathogenic.

Quest Diagnostics Nichols Institute San Juan Capistrano
Classification: Pathogenic. Last evaluated: 2024-12-12. Review status: criteria provided, single submitter. Criteria: Quest Diagnostics criteria. Collection method: clinical testing. Allele origin: unknown.
Comment: This two nucleotide deletion causes the synthesis of an extended HBA2 mRNA transcript that is nonfunctional (PMID: 7947237 (1994) and HbVar). In the published literature, this pathogenic variant has been reported in either homozygous state (PMID: 26365411 (2015), 26193977 (2015), 23517369 (2013), 17054428 (2006)) or compound heterozygous state (PMID: 17486499 (2007), 26365411 (2015)) in individuals with Hb H disease. This variant has not been reported in large, multi-ethnic general populations (Genome Aggregation Database).

Fulgent Genetics
Classification: Pathogenic for Heinz body anemia; alpha Thalassemia; Hemoglobin H disease; Erythrocytosis, familial, 7. Last evaluated: 2024-05-21. Review status: criteria provided, single submitter. Criteria: ACMG Guidelines, 2015. Collection method: clinical testing. Allele origin: germline.

ARUP Laboratories, Molecular Genetics and Genomics, ARUP Laboratories
Classification: Pathogenic. Last evaluated: 2024-02-23. Review status: criteria provided, single submitter. Criteria: ARUP Molecular Germline Variant Investigation Process 2024. Collection method: clinical testing. Allele origin: germline.
Comment: The HBA2 c.*93_*94del variant (rs63751268, HbVar ID: 1072) has been described in the heterozygous state in individuals affected with microcytic hypochromic anemia (Harteveld 1994, HbVar database and references therein). It has been reported in individuals with Hb H disease in the homozygous state (Deshpande 2015, Farashi 2015, Nair 2013) and in the compound heterozygous state with HBA2 Ala130Pro (Deshpande 2015). Furthermore, the c.*93_*94del variant has been reported in the compound heterozygous state with the 3.7kb deletion (Prior 2007) or additional pathogenic variants (Deshpande 2015) in individuals with hematology compatible with alpha thalassemia trait. The c.*93_*94del variant has also been observed to segregate with disease in families (Deshpande 2015, Farashi 2015, Hartveld 1994, Nair 2013, Prior 2007). This variant is absent from the Genome Aggregation Database, indicating it is not a common polymorphism. This variant deletes two nucleotides in the 3'UTR in the conserved polyadenylation signal and is predicted to result in an elongated transcript. Several other pathogenic variants in the polyadenylation signal have been reported, and homozygosity of pathogenic variants affecting the HBA2 polyadenylation site has been associated with Hb H disease (Higgs 1983, Thein 1988, Whitelaw 1986). Observations of individuals homozygous for either the c.*93_*94del variant or another variant in the HBA2 polyadenylation signal indicate that these variants may interfere with expression of both HBA2 and HBA1 (Harteveld 1994, Higgs 1983, Thein 1988). Based on available information, the c.*93_*94del variant is considered pathogenic. REFERENCES Link to HbVar database: Deshpande P et al. Characterization of Clinical and Laboratory Profiles of the Deletional a2-Globin Gene Polyadenylation Signal Sequence (AATAAA > AATA- -) in an Indian Population. Hemoglobin. 2015;39(6):415-8. PMID: 26365411. Farashi S et al. Homozygosity for the AATAAA > AATA- - Polyadenylation Site Mutation on the a2-Globin Gene Causing Transfusion-Dependent Hb H Disease in an Iranian Patient: A Case Report. Hemoglobin. 2015;39(5):355-8. PMID: 26193977. Harteveld CL et al. A novel polyadenylation signal mutation in the alpha 2-globin gene causing alpha thalassaemia. Br J Haematol. 1994; 87(1):139-43. PMID: 7947237. Higgs D et al. Alpha-thalassaemia caused by a polyadenylation signal mutation. Nature. 1983; 306(5941):398-400. PMID: 6646217. Nair SB et al. Variable presentation of HB H disease due to homozygosity for the rare polyadenylation signal A T(Indian) (AATAAA>AATA- -) mutation in four Indian families. Hemoglobin. 2013;37(3):277-84. PMID: 23517369. Prior JF et al. A moderately severe alpha-thalassemia condition resulting from a combination of the alpha2 polyadenylation signal (AATAAA-->AATA- -) mutation and a 3.7 Kb alpha gene deletion in an Australian family. Hemoglobin. 2007;31(2):173-7. PMID: 17486499. Thein S et al. The polyadenylation site mutation in the alpha-globin gene cluster. Blood. 1988; 71(2):313-9. PMID: 3337900. Whitelaw E et al. Alpha-thalassaemia caused by a poly(A) site mutation reveals that transcriptional termination is linked to 3' end processing in the human alpha 2 globin gene. EMBO J. 1986; 5(11):2915-22. PMID: 3024968.

Neuberg Centre For Genomic Medicine, NCGM
Classification: Pathogenic for alpha Thalassemia. Last evaluated: 2024-02-01. Review status: criteria provided, single submitter. Criteria: ACMG Guidelines, 2015. Collection method: clinical testing. Allele origin: germline. Inheritance: Autosomal recessive inheritance. Affected: yes.
Comment: The 3 prime UTR variant c.*93_*94del variant in HBA2 gene has been reported previously in multiple individuals affected with microcytic hypochromic anemia / HBA2 related HbH diseasae (Farashi et al., 2015; Deshpande et al., 2015; Prior et al., 2007). This variant is also recognised as alpha2 polyadenylation signal (AATAAA-->AATA- -) in the literature. This variant has been observed to segregate with disease in families (Deshpande et al., 2015). This variant deletes two nucleotides in the 3'UTR in the conserved polyadenylation signal and is predicted to result in an elongated transcript. It has been reported in individuals with Hb H disease in the homozygous state (Deshpande et al., 2015, Farashi et al., 2015, Nair et al., 2013).

Genetics and Molecular Pathology, SA Pathology
Classification: Likely pathogenic for alpha Thalassemia. Last evaluated: 2020-03-17. Review status: criteria provided, single submitter. Criteria: ACMG Guidelines, 2015. Collection method: clinical testing. Allele origin: germline. Inheritance: Autosomal recessive inheritance. Affected: yes.
Comment: PM2, PP5, PP1, PM1

MOLECULAR BIOLOGY AND HUMAN GENETICS DIVISION, THE UNIVERSITY OF BURDWAN
Classification: Pathogenic for alpha Thalassemia. Last evaluated: 2025-04-21. Review status: no assertion criteria provided. Collection method: research. Allele origin: germline. Affected: yes. Observed: 2 variant alleles. Not counted in ClinVar's aggregate classification.
Comment: With an HbH level of 24% in HPLC.

Literature cited by the submitters: PubMed 26193977 (cited by Natera, Inc. and Quest Diagnostics Nichols Institute San Juan Capistrano); PubMed 23517369 (cited by Natera, Inc. and Quest Diagnostics Nichols Institute San Juan Capistrano); PubMed 26365411 (cited by Natera, Inc. and Quest Diagnostics Nichols Institute San Juan Capistrano); PubMed 17486499 (cited by Natera, Inc. and Quest Diagnostics Nichols Institute San Juan Capistrano); PubMed 17054428 (cited by Quest Diagnostics Nichols Institute San Juan Capistrano); PubMed 16103716 (cited by Quest Diagnostics Nichols Institute San Juan Capistrano); PubMed 7803252 (cited by Quest Diagnostics Nichols Institute San Juan Capistrano); PubMed 6253786 (cited by Quest Diagnostics Nichols Institute San Juan Capistrano); PubMed 20507641 (cited by Quest Diagnostics Nichols Institute San Juan Capistrano); PubMed 7947237 (cited by Quest Diagnostics Nichols Institute San Juan Capistrano and MOLECULAR BIOLOGY AND HUMAN GENETICS DIVISION, THE UNIVERSITY OF BURDWAN).